The following is an entry in ClinVar:

ClinVar aggregate classification (germline): Uncertain significance (1 of 4 stars; one submission).

Conditions:
Multiple congenital exostosis (EXT). Also called: Multiple osteochondromas; Multiple exostoses; Hereditary multiple osteochondromas; Hereditary multiple exostoses; Hereditary multiple exostosis; MULTIPLE CARTILAGINOUS EXOSTOSES. Identifiers: Orphanet 321, MedGen C0015306, MONDO:0005508, HP:0002762.

Submission:

Labcorp Genetics (formerly Invitae), Labcorp
Classification: Uncertain significance for Multiple congenital exostosis. Last evaluated: 2025-06-01. Review status: criteria provided, single submitter. Criteria: Invitae Variant Classification Sherloc (09022015). Collection method: clinical testing. Allele origin: germline.
Comment: This sequence change replaces asparagine, which is neutral and polar, with lysine, which is basic and polar, at codon 601 of the EXT1 protein (p.Asn601Lys). This variant is not present in population databases (gnomAD no frequency). This variant has not been reported in the literature in individuals affected with EXT1-related conditions. ClinVar contains an entry for this variant (Variation ID: 3621019). Invitae Evidence Modeling of protein sequence and biophysical properties (such as structural, functional, and spatial information, amino acid conservation, physicochemical variation, residue mobility, and thermodynamic stability) indicates that this missense variant is not expected to disrupt EXT1 protein function with a negative predictive value of 80%. In summary, the available evidence is currently insufficient to determine the role of this variant in disease. Therefore, it has been classified as a Variant of Uncertain Significance.

NM_000127.3(EXT1):c.1803C>G (p.Asn601Lys)

Gene: EXT1 (exostosin glycosyltransferase 1; minus strand). Cytogenetic location: 8q24.11.
Variant type: single nucleotide variant.
Coding change: c.1803C>G on transcript NM_000127.3 (MANE Select); coding-DNA position 1803, C replaced by G.
Protein change: p.Asn601Lys; replaces asparagine 601 with lysine.
Molecular consequence: missense variant.
Genome position (GRCh38, 1-based): chr8:117,807,297, G>C on the plus strand (C>G on the coding strand, the complement: EXT1 is on the minus strand). VCF-style: chr8-117807297-G-C. GRCh37 (hg19) VCF-style: chr8-118819536-G-C.
Other names: short protein forms N601K.
Identifiers: ClinVar variation 3621019 (VCV003621019.2).